The following is an entry in ClinVar:

NM_021870.3(FGG):c.32T>C (p.Ile11Thr)

Gene: FGG (fibrinogen gamma chain; minus strand). Cytogenetic location: 4q32.1.
Variant type: single nucleotide variant.
Coding change: c.32T>C on transcript NM_021870.3 (MANE Select); coding-DNA position 32, T replaced by C.
Protein change: p.Ile11Thr; replaces isoleucine 11 with threonine.
Molecular consequence: missense variant.
Genome position (GRCh38, 1-based): chr4:154,612,578, A>G on the plus strand (T>C on the coding strand, the complement: FGG is on the minus strand). VCF-style: chr4-154612578-A-G. GRCh37 (hg19) VCF-style: chr4-155533730-A-G.
Other names: c.32T>C, p.Ile11Thr (NM_000509.6); short protein forms I11T.
Identifiers: ClinVar variation 5009485 (VCV005009485.1).
Genomic context (GRCh38, chr4:154,612,578, plus strand): 5'-AAGAGCACACTTACTGCTACACATGTTGAAGAGAGAAATAAAAGAGCATAGAAGTAGAGA[A>G]TTAAATTCCGGGGGTGCAAGGACCAACTCATGATGTCTGAGTGCCCGGAGCTCCGAGCCT-3'
Protein context (NP_068656.2, residues 1-21): MSWSLHPRNL[Ile11Thr]LYFYALLFLS

ClinVar aggregate classification (germline): Uncertain significance (1 of 4 stars; one submission).

gnomAD v4.1: 1 of 1,613,984 alleles (0.000062%); no homozygotes.

Submission:

GeneDx
Classification: Uncertain significance. Last evaluated: 2026-03-19. Review status: criteria provided, single submitter. Criteria: GeneDx Variant Classification Process June 2021. Collection method: clinical testing. Allele origin: germline.
Comment: Not observed at significant frequency in large population cohorts (gnomAD); In silico analysis suggests that this missense variant does not alter protein structure/function; Has not been previously published as pathogenic or benign to our knowledge